The following is an entry in ClinVar:

ClinVar aggregate classification (germline): Uncertain significance (1 of 4 stars; one submission).

Conditions:
Paroxysmal nonkinesigenic dyskinesia. Also called: Paroxysmal non-kinesigenic dyskinesia. Identifiers: Orphanet 98810, MedGen C1869117, MONDO:0700088.

Allele frequency attached by ClinVar (database versions not stated): gnomAD 0.00001.
gnomAD v4.1: 26 of 1,613,708 alleles (0.0016%); highest among the groups gnomAD compares: Non-Finnish European, 0.002%; no homozygotes.

Submission:

Labcorp Genetics (formerly Invitae), Labcorp
Classification: Uncertain significance for Paroxysmal nonkinesigenic dyskinesia. Last evaluated: 2025-08-21. Review status: criteria provided, single submitter. Criteria: Invitae Variant Classification Sherloc (09022015). Collection method: clinical testing. Allele origin: germline.
Comment: This sequence change creates a premature translational stop signal (p.Arg94*) in the PNKD gene. It is expected to result in an absent or disrupted protein product. However, the current clinical and genetic evidence is not sufficient to establish whether loss-of-function variants in PNKD cause disease. This variant is present in population databases (no rsID available, gnomAD 0.003%). This variant has not been reported in the literature in individuals affected with PNKD-related conditions. ClinVar contains an entry for this variant (Variation ID: 946965). In summary, the available evidence is currently insufficient to determine the role of this variant in disease. Therefore, it has been classified as a Variant of Uncertain Significance.

NM_015488.5(PNKD):c.280C>T (p.Arg94Ter)

Genes: CATIP-AS2 (CATIP antisense RNA 2; minus strand), PNKD (PNKD metallo-beta-lactamase domain containing; plus strand). Cytogenetic location: 2q35.
Variant type: single nucleotide variant.
Coding change: c.280C>T on transcript NM_015488.5 (MANE Select); coding-DNA position 280, C replaced by T.
Protein change: p.Arg94Ter; replaces arginine 94 with a stop codon.
Molecular consequence: nonsense.
Genome position (GRCh38, 1-based): chr2:218,339,826, C>T. VCF-style: chr2-218339826-C-T. GRCh37 (hg19) VCF-style: chr2-219204549-C-T.
Other names: c.208C>T, p.Arg70Ter (NM_022572.5); short protein forms R70*, R94*.
Identifiers: ClinVar variation 946965 (VCV000946965.7), dbSNP rs754138242, ClinGen allele CA350538160.
Genomic context (GRCh38, chr2:218,339,826, plus strand): 5'-ACCCACTCGCCCTCTAGGTACAGCCTGTACACCCGCACCTGGCTCGGGTACCTCTTCTAC[C>T]GACAGCAGCTGCGCAGGGCTCGGAATCGCTACCCTAAAGGCCACTCGAAAACCCAGCCCC-3'